The following is an entry in ClinVar:

ClinVar aggregate classification (germline): Likely pathogenic. Review status: criteria provided, multiple submitters, no conflicts (2 of 4 stars). 3 submissions from 3 submitters: Likely pathogenic (3). Last evaluated 2025-01-14.

Conditions:
Hypotonia, infantile, with psychomotor retardation and characteristic facies 3 (IHPRF3). Also called: TBCK-Related Neurodevelopmental Disorder. Identifiers: Orphanet 488632, MedGen C5567480, MONDO:0014823, OMIM 616900.
Inborn genetic diseases. Identifiers: MedGen C0950123, MeSH D030342.

Allele frequency attached by ClinVar (database versions not stated): gnomAD 0.00001; TOPMed 0.00001.
gnomAD v4.1: 5 of 1,604,970 alleles (0.00031%); highest among the groups gnomAD compares: African/African-American, 0.0067%; no homozygotes.

Submissions (3):

Broad Center for Mendelian Genomics, Broad Institute of MIT and Harvard
Classification: Likely pathogenic for Hypotonia, infantile, with psychomotor retardation and characteristic facies 3. Last evaluated: 2025-01-14. Review status: criteria provided, single submitter. Criteria: ACMG Guidelines, 2015. Collection method: curation. Allele origin: germline. Inheritance: Autosomal recessive inheritance.
Comment: The c.720+1G>A variant in TBCK has not been previously reported in the literature in individuals with TBCK-related intellectual disability syndrome, but has been identified in 0.007% (5/74318) of African/African American chromosomes by the Genome Aggregation Database (gnomAD; dbSNP rs925343986). Although this variant has been seen in the general population in a heterozygous state, its frequency is low enough to be consistent with a recessive carrier frequency. This variant has also been reported in ClinVar (Variation ID: 985890) and has been interpreted as likely pathogenic by Ambry Genetics and Invitae. This variant is located in the 3' splice region. Computational tools predict a splicing impact, though this information is not predictive enough to determine pathogenicity. Loss of function of the TBCK gene is an established disease mechanism in autosomal recessive TBCK-related intellectual disability syndrome. In summary, although additional studies are required to fully establish its clinical significance, this variant is likely pathogenic for autosomal recessive TBCK-related intellectual disability syndrome. ACMG/AMP Criteria applied: PVS1, PM2_supporting (Richards 2015).

Labcorp Genetics (formerly Invitae), Labcorp
Classification: Likely pathogenic. Last evaluated: 2024-07-18. Review status: criteria provided, single submitter. Criteria: Invitae Variant Classification Sherloc (09022015). Collection method: clinical testing. Allele origin: germline.
Comment: This sequence change affects a donor splice site in intron 8 of the TBCK gene. It is expected to disrupt RNA splicing. Variants that disrupt the donor or acceptor splice site typically lead to a loss of protein function (PMID: 16199547), and loss-of-function variants in TBCK are known to be pathogenic (PMID: 27040692, 30103036). This variant is not present in population databases (gnomAD no frequency). This variant has not been reported in the literature in individuals affected with TBCK-related conditions. ClinVar contains an entry for this variant (Variation ID: 985890). Algorithms developed to predict the effect of sequence changes on RNA splicing suggest that this variant may disrupt the consensus splice site. In summary, the currently available evidence indicates that the variant is pathogenic, but additional data are needed to prove that conclusively. Therefore, this variant has been classified as Likely Pathogenic.

Ambry Genetics
Classification: Likely pathogenic for Inborn genetic diseases. Last evaluated: 2019-05-08. Review status: criteria provided, single submitter. Criteria: Ambry exome assertion method (8-5-2015). Collection method: clinical testing. Allele origin: germline. Affected: yes. Observed: 1 variant allele.

Literature cited by the submitters: PubMed 16199547 (cited by Labcorp Genetics (formerly Invitae), Labcorp); PubMed 27040692 (cited by Labcorp Genetics (formerly Invitae), Labcorp); PubMed 30103036 (cited by Labcorp Genetics (formerly Invitae), Labcorp).

NM_001163435.3(TBCK):c.720+1G>A

Gene: TBCK (TBC1 domain containing kinase; minus strand). Cytogenetic location: 4q24.
Variant type: single nucleotide variant.
Coding change: c.720+1G>A on transcript NM_001163435.3 (MANE Select); the canonical splice donor site of the intron after coding-DNA position 720, G replaced by A.
Molecular consequence: splice donor variant.
Genome position (GRCh38, 1-based): chr4:106,248,920, C>T on the plus strand (G>A on the coding strand, the complement: TBCK is on the minus strand). VCF-style: chr4-106248920-C-T. GRCh37 (hg19) VCF-style: chr4-107170077-C-T.
Other names: c.720+1G>A (NM_001163436.4); c.531+1G>A (NM_033115.5); c.603+1G>A (NM_001163437.3); c.204+1G>A (NM_001290768.2).
Identifiers: ClinVar variation 985890 (VCV000985890.7), dbSNP rs925343986, ClinGen allele CA102844923.
Genomic context (GRCh38, chr4:106,248,920, plus strand): 5'-CCAATATCAGGTATTTTGTTATAGCAGCACAAATGGACTAAGACCCAGATTAATGACAAA[C>T]CTTTATAATGTCCAAACAACCATGCTCTTCAGCCAGAACTATTAAAGTGTCATCTACACA-3'